The following is an entry in ClinVar:

ClinVar aggregate classification (germline): Conflicting classifications of pathogenicity. Review status: criteria provided, conflicting classifications (1 of 4 stars). 4 submissions from 4 submitters: Uncertain significance (1); Benign (1); Likely benign (2). Last evaluated 2025-12-09.

Conditions:
Multiple endocrine neoplasia type 2A. Also called: Multiple Endocrine Neoplasia Type 2A (MEN2A); MULTIPLE ENDOCRINE NEOPLASIA, TYPE IIA; PTC SYNDROME; SIPPLE SYNDROME; MEN 2A; MEN-2A syndrome. Identifiers: Orphanet 247698, Orphanet 653, MedGen C0025268, MeSH D018813, MONDO:0008234, OMIM 171400.
Hereditary cancer-predisposing syndrome. Also called: Tumor predisposition; Hereditary neoplastic syndrome; Hereditary Cancer Syndrome; Neoplastic Syndromes, Hereditary. Identifiers: Orphanet 140162, MedGen C0027672, MeSH D009386, MONDO:0015356.
Multiple endocrine neoplasia, type 2 (MEN2). Identifiers: Orphanet 653, MedGen C4048306, MONDO:0019003. Disease mechanism: gain of function.

Allele frequency attached by ClinVar (database versions not stated): gnomAD exomes below 0.00001 and 0.00001; gnomAD 0.00001; TOPMed 0.00001.
gnomAD v4.1: 17 of 1,613,998 alleles (0.0011%); highest among the groups gnomAD compares: Non-Finnish European, 0.0014%; no homozygotes.

Submissions (4):

Labcorp Genetics (formerly Invitae), Labcorp
Classification: Likely benign for Multiple endocrine neoplasia, type 2. Last evaluated: 2025-12-09. Review status: criteria provided, single submitter. Criteria: Invitae Variant Classification Sherloc (09022015). Collection method: clinical testing. Allele origin: germline.

Myriad Genetics, Inc.
Classification: Benign for Multiple endocrine neoplasia type 2A. Last evaluated: 2025-02-26. Review status: criteria provided, single submitter. Criteria: Myriad Autosomal Dominant, Autosomal Recessive and X-Linked Classification Criteria (2023). Collection method: clinical testing. Allele origin: unknown.
Comment: This variant is considered benign. This variant is a silent/synonymous amino acid change and it is not expected to impact splicing.

All of Us Research Program, National Institutes of Health
Classification: Likely benign for Multiple endocrine neoplasia, type 2. Last evaluated: 2024-08-13. Review status: criteria provided, single submitter. Criteria: ACMG Guidelines, 2015. Collection method: clinical testing. Allele origin: germline. Inheritance: Autosomal dominant inheritance. Observed: 5 variant alleles, 5 heterozygotes.
Comment: This study involves interpretation of variants in research participants for the purpose of population health screening. Participant phenotype was not available at the time of variant classification. Additional details can be found in publication PMID: 35346344, PMCID: PMC8962531

Ambry Genetics
Classification: Uncertain significance for Hereditary cancer-predisposing syndrome. Last evaluated: 2024-07-23. Review status: criteria provided, single submitter. Criteria: Ambry Variant Classification Scheme 2023. Collection method: clinical testing. Allele origin: germline.
Comment: The c.2349C>T variant (also known as p.N783N), located in coding exon 13 of the RET gene, results from a C to T substitution at nucleotide position 2349. This nucleotide substitution does not change the asparagine at codon 783. This nucleotide position is well conserved in available vertebrate species. In silico splice site analysis for this alteration is inconclusive. Since supporting evidence is limited at this time, the clinical significance of this alteration remains unclear.

NM_020975.6(RET):c.2349C>T (p.Asn783=)

Gene: RET (ret proto-oncogene; plus strand). Cytogenetic location: 10q11.21.
Variant type: single nucleotide variant.
Coding change: c.2349C>T on transcript NM_020975.6 (MANE Select); coding-DNA position 2349, C replaced by T.
Protein change: p.Asn783=; no amino-acid change (asparagine 783 retained).
Molecular consequence: synonymous variant.
Genome position (GRCh38, 1-based): chr10:43,118,437, C>T. VCF-style: chr10-43118437-C-T. GRCh37 (hg19) VCF-style: chr10-43613885-C-T.
Other names: c.2349C>T, p.Asn783= (NM_000323.2, NM_001406743.1, NM_001406744.1 and 4 more transcripts); c.1587C>T, p.Asn529= (NM_001355216.2); c.2220C>T, p.Asn740= (NM_001406761.1, NM_001406762.1, NM_001406764.1); c.2214C>T, p.Asn738= (NM_001406763.1, NM_001406765.1); c.2061C>T, p.Asn687= (NM_001406766.1, NM_001406767.1, NM_001406770.1); c.2085C>T, p.Asn695= (NM_001406768.1); c.1953C>T, p.Asn651= (NM_001406769.1, NM_001406772.1); c.1911C>T, p.Asn637= (NM_001406771.1, NM_001406773.1); and 10 more.
Identifiers: ClinVar variation 1096642 (VCV001096642.16), dbSNP rs1160720188, ClinGen allele CA469028169.